The following is an entry in ClinVar:

ClinVar aggregate classification (germline): Uncertain significance. Review status: criteria provided, multiple submitters, no conflicts (2 of 4 stars). 2 submissions from 2 submitters: Uncertain significance (2). Last evaluated 2024-04-04.

Conditions:
Nemaline myopathy 2 (NEM2). Also called: Nemaline myopathy 2, autosomal recessive. Identifiers: MedGen C1850569, MONDO:0009725, OMIM 256030.

Allele frequency attached by ClinVar (database versions not stated): gnomAD exomes below 0.00001.
gnomAD v4.1: 1 of 1,613,776 alleles (0.000062%); highest among the groups gnomAD compares: African/African-American, 0.0013%; no homozygotes.

Submissions (2):

Women's Health and Genetics/Laboratory Corporation of America, LabCorp
Classification: Uncertain significance. Last evaluated: 2024-04-04. Review status: criteria provided, single submitter. Criteria: LabCorp Variant Classification Summary - May 2015. Collection method: clinical testing. Allele origin: germline.
Comment: Variant summary: NEB c.23714A>T (p.Glu7905Val) results in a non-conservative amino acid change in the encoded protein sequence. Five of five in-silico tools predict a damaging effect of the variant on protein function. The variant was absent in 249182 control chromosomes. The available data on variant occurrences in the general population are insufficient to allow any conclusion about variant significance. To our knowledge, no occurrence of c.23714A>T in individuals affected with Nemaline Myopathy 2 and no experimental evidence demonstrating its impact on protein function have been reported. ClinVar contains an entry for this variant (Variation ID: 652766). Based on the evidence outlined above, the variant was classified as uncertain significance.

Labcorp Genetics (formerly Invitae), Labcorp
Classification: Uncertain significance for Nemaline myopathy 2. Last evaluated: 2021-08-28. Review status: criteria provided, single submitter. Criteria: Invitae Variant Classification Sherloc (09022015). Collection method: clinical testing. Allele origin: germline.
Comment: This sequence change replaces glutamic acid with valine at codon 7905 of the NEB protein (p.Glu7905Val). The glutamic acid residue is moderately conserved and there is a moderate physicochemical difference between glutamic acid and valine. This variant is not present in population databases (ExAC no frequency). This variant has not been reported in the literature in individuals affected with NEB-related conditions. Algorithms developed to predict the effect of missense changes on protein structure and function are either unavailable or do not agree on the potential impact of this missense change (SIFT: "Deleterious"; PolyPhen-2: "Not Available"; Align-GVGD: "Class C0"). In summary, the available evidence is currently insufficient to determine the role of this variant in disease. Therefore, it has been classified as a Variant of Uncertain Significance.

NM_001164508.2(NEB):c.23609A>T (p.Glu7870Val)

Genes: NEB (nebulin; minus strand), RIF1 (replication timing regulatory factor 1; plus strand). Cytogenetic location: 2q23.3.
Variant type: single nucleotide variant.
Coding change: c.23609A>T on transcript NM_001164508.2 (MANE Select); coding-DNA position 23609, A replaced by T.
Protein change: p.Glu7870Val; replaces glutamic acid 7870 with valine.
Molecular consequence: missense variant.
Genome position (GRCh38, 1-based): chr2:151,506,206, T>A on the plus strand (A>T on the coding strand, the complement: NEB is on the minus strand). VCF-style: chr2-151506206-T-A. GRCh37 (hg19) VCF-style: chr2-152362720-T-A.
Other names: c.23609A>T, p.Glu7870Val (NM_001164507.2); c.23714A>T, p.Glu7905Val (NM_001271208.2); c.18506A>T, p.Glu6169Val (NM_004543.5); short protein forms E6169V, E7870V, E7905V.
Identifiers: ClinVar variation 652766 (VCV000652766.6), dbSNP rs1454960791, ClinGen allele CA348783804.